The following is an entry in ClinVar:

NM_001291303.3(FAT4):c.8933G>C (p.Ser2978Thr)

Gene: FAT4 (FAT atypical cadherin 4; plus strand). Cytogenetic location: 4q28.1.
Variant type: single nucleotide variant.
Coding change: c.8933G>C on transcript NM_001291303.3 (MANE Select); coding-DNA position 8933, G replaced by C.
Protein change: p.Ser2978Thr; replaces serine 2978 with threonine.
Molecular consequence: missense variant.
Genome position (GRCh38, 1-based): chr4:125,449,943, G>C. VCF-style: chr4-125449943-G-C. GRCh37 (hg19) VCF-style: chr4-126371098-G-C.
Other names: c.8933G>C, p.Ser2978Thr (NM_001291285.3); c.8927G>C, p.Ser2976Thr (NM_024582.6); short protein forms S2976T, S2978T.
Identifiers: ClinVar variation 2804088 (VCV002804088.3), dbSNP rs1471474939, ClinGen allele CA358148424.

ClinVar aggregate classification (germline): Uncertain significance (1 of 4 stars; one submission).

Allele frequency attached by ClinVar (database versions not stated): gnomAD exomes below 0.00001; TOPMed below 0.00001.
gnomAD v4.1: 1 of 1,613,840 alleles (0.000062%); highest among the groups gnomAD compares: Non-Finnish European, 0.000085%; no homozygotes.

Submission:

Labcorp Genetics (formerly Invitae), Labcorp
Classification: Uncertain significance. Last evaluated: 2024-04-13. Review status: criteria provided, single submitter. Criteria: Invitae Variant Classification Sherloc (09022015). Collection method: clinical testing. Allele origin: germline.
Comment: This sequence change replaces serine, which is neutral and polar, with threonine, which is neutral and polar, at codon 2976 of the FAT4 protein (p.Ser2976Thr). This variant is present in population databases (no rsID available, gnomAD 0.006%). This variant has not been reported in the literature in individuals affected with FAT4-related conditions. Advanced modeling of protein sequence and biophysical properties (such as structural, functional, and spatial information, amino acid conservation, physicochemical variation, residue mobility, and thermodynamic stability) performed at Invitae indicates that this missense variant is not expected to disrupt FAT4 protein function with a negative predictive value of 80%. In summary, the available evidence is currently insufficient to determine the role of this variant in disease. Therefore, it has been classified as a Variant of Uncertain Significance.